The following is an entry in ClinVar:

ClinVar aggregate classification (germline): Uncertain significance (1 of 4 stars; one submission).

Submission:

Labcorp Genetics (formerly Invitae), Labcorp
Classification: Uncertain significance. Last evaluated: 2025-06-06. Review status: criteria provided, single submitter. Criteria: Invitae Variant Classification Sherloc (09022015). Collection method: clinical testing. Allele origin: germline.
Comment: This variant, c.3102_3104del, results in the deletion of 1 amino acid(s) of the ALPK3 protein (p.Glu1034del), but otherwise preserves the integrity of the reading frame. This variant is present in population databases (rs750497345, gnomAD 0.003%). This variant has not been reported in the literature in individuals affected with ALPK3-related conditions. Experimental studies and prediction algorithms are not available or were not evaluated, and the functional significance of this variant is currently unknown. In summary, the available evidence is currently insufficient to determine the role of this variant in disease. Therefore, it has been classified as a Variant of Uncertain Significance.

NM_020778.5(ALPK3):c.2493GGA[1] (p.Glu832del)

Gene: ALPK3 (alpha kinase 3; plus strand). Cytogenetic location: 15q25.3.
Variant type: Microsatellite.
Coding change: c.2493GGA[1] on transcript NM_020778.5 (MANE Select); one copy of the 3-base unit GGA starting at c.2493; the reference has two copies in a row; one copy, 3 bases deleted.
Protein change: p.Glu832del; deletes glutamic acid 832.
Molecular consequence: inframe deletion.
Genome position (GRCh38, 1-based): chr15:84,857,234-84,857,236, GGA deleted; deleting any 3 consecutive bases within chr15:84,857,230-84,857,236 gives the same sequence; the position shown is the placement nearest the transcript's 3' end. VCF-style (leftmost placement, unchanged base first): chr15-84857229-CAGG-C. GRCh37 (hg19) VCF-style: chr15-85400460-CAGG-C.
Other names: short protein forms E832del.
Identifiers: ClinVar variation 4696527 (VCV004696527.1).